The following is an entry in ClinVar:

ClinVar aggregate classification (germline): Likely benign (1 of 4 stars; one submission).

Conditions:
SCAPER-related disorder. Also called: SCAPER-related condition.

Submission:

PreventionGenetics, part of Exact Sciences
Classification: Likely benign for SCAPER-related condition. Last evaluated: 2026-02-19. Review status: criteria provided, single submitter. Criteria: ACMG Guidelines, 2015. Collection method: clinical testing. Allele origin: germline.
Comment: This variant is classified as likely benign based on ACMG/AMP sequence variant interpretation guidelines (Richards et al. 2015 PMID: 25741868, with internal and published modifications).

NM_020843.4(SCAPER):c.-8T>G

Gene: SCAPER (S-phase cyclin A associated protein in the ER; minus strand). Cytogenetic location: 15q24.3.
Variant type: single nucleotide variant.
Coding change: c.-8T>G on transcript NM_020843.4 (MANE Select); 8 bases upstream of the start codon, T replaced by G.
Molecular consequence: 5 prime UTR variant. On other transcripts: non-coding transcript variant (1).
Genome position (GRCh38, 1-based): chr15:76,883,825, A>C on the plus strand (T>G on the coding strand, the complement: SCAPER is on the minus strand). VCF-style: chr15-76883825-A-C. GRCh37 (hg19) VCF-style: chr15-77176166-A-C.
Other names: c.-8T>G (NM_001353009.2); c.-465T>G (NM_001353010.2); c.-528T>G (NM_001353011.2); c.-498T>G (NM_001353012.2).
Identifiers: ClinVar variation 4992183 (VCV004992183.1).